The following is an entry in ClinVar:

ClinVar aggregate classification (germline): Uncertain significance (1 of 4 stars; one submission).

Allele frequency attached by ClinVar (database versions not stated): gnomAD exomes below 0.00001.

Submission:

Labcorp Genetics (formerly Invitae), Labcorp
Classification: Uncertain significance. Last evaluated: 2019-10-06. Review status: criteria provided, single submitter. Criteria: Invitae Variant Classification Sherloc (09022015). Collection method: clinical testing. Allele origin: germline.
Comment: In summary, the available evidence is currently insufficient to determine the role of this variant in disease. Therefore, it has been classified as a Variant of Uncertain Significance. Algorithms developed to predict the effect of missense changes on protein structure and function (SIFT, PolyPhen-2, Align-GVGD) all suggest that this variant is likely to be tolerated, but these predictions have not been confirmed by published functional studies and their clinical significance is uncertain. This variant has not been reported in the literature in individuals with RINT1-related conditions. This sequence change replaces aspartic acid with asparagine at codon 360 of the RINT1 protein (p.Asp360Asn). The aspartic acid residue is moderately conserved and there is a small physicochemical difference between aspartic acid and asparagine. This variant is not present in population databases (ExAC no frequency).

NM_021930.6(RINT1):c.1078G>A (p.Asp360Asn)

Gene: RINT1 (RAD50 interactor 1; plus strand). Cytogenetic location: 7q22.3.
Variant type: single nucleotide variant.
Coding change: c.1078G>A on transcript NM_021930.6 (MANE Select); coding-DNA position 1078, G replaced by A.
Protein change: p.Asp360Asn; replaces aspartic acid 360 with asparagine.
Molecular consequence: missense variant. On other transcripts: non-coding transcript variant (1).
Genome position (GRCh38, 1-based): chr7:105,550,136, G>A. VCF-style: chr7-105550136-G-A. GRCh37 (hg19) VCF-style: chr7-105190583-G-A.
Other names: c.844G>A, p.Asp282Asn (NM_001346599.2); c.55G>A, p.Asp19Asn (NM_001346600.2, NM_001346603.2); c.154G>A, p.Asp52Asn (NM_001346601.2); short protein forms D360N, D52N, D19N, D282N.
Identifiers: ClinVar variation 961676 (VCV000961676.9), dbSNP rs1790862642, ClinGen allele CA368808518.